The following is an entry in ClinVar:

ClinVar aggregate classification (germline): Pathogenic/Likely pathogenic. Review status: criteria provided, multiple submitters, no conflicts (2 of 4 stars). 7 submissions from 7 submitters: Pathogenic (6); Likely pathogenic (1). Last evaluated 2025-12-10.

Conditions:
Fetal akinesia deformation sequence 1 (FADS1). Also called: Fetal akinesia sequence; Pena-Shokeir syndrome type I. Identifiers: Orphanet 994, MedGen C1276035, MONDO:0100101, OMIM 208150, HP:0001989.
Congenital myasthenic syndrome 11. Also called: Myasthenic syndrome, congenital, 11, associated with acetylcholine receptor deficiency; MYASTHENIC SYNDROME, CONGENITAL, Ie. Identifiers: Orphanet 590, MedGen C4225367, MONDO:0014588, OMIM 616326.
RAPSN-related disorder. Also called: RAPSN-related disorders; RAPSN-related condition. Identifiers: MedGen CN239397.
Fetal akinesia deformation sequence 2. Identifiers: MedGen C4760576, MONDO:0100102, OMIM 618388.
Congenital myasthenic syndrome (CMS). Also called: Congenital Myasthenic Syndromes. Identifiers: Orphanet 590, MedGen C0751882, MeSH D020294, MONDO:0018940.

Submissions (7):

Labcorp Genetics (formerly Invitae), Labcorp
Classification: Pathogenic for Congenital myasthenic syndrome 11; Fetal akinesia deformation sequence 1. Last evaluated: 2025-12-10. Review status: criteria provided, single submitter. Criteria: Invitae Variant Classification Sherloc (09022015). Collection method: clinical testing. Allele origin: germline.
Comment: This variant, c.1119_1121del, results in the deletion of 1 amino acid(s) of the RAPSN protein (p.Lys373del), but otherwise preserves the integrity of the reading frame. This variant is present in population databases (rs759488854, gnomAD 0.001%). This variant has been observed in individuals with congenital myasthenic syndrome (CMS) (PMID: 16945936, 19620612; internal data). It has also been observed to segregate with disease in related individuals. ClinVar contains an entry for this variant (Variation ID: 847394). Algorithms developed to predict the effect of variants on gene product structure and function are not available or were not evaluated for this variant. Experimental studies have shown that this variant affects RAPSN function (PMID: 16945936). For these reasons, this variant has been classified as Pathogenic.

Natera, Inc.
Classification: Pathogenic for Congenital myasthenic syndrome. Last evaluated: 2024-06-03. Review status: criteria provided, single submitter. Criteria: Natera Variant Classification Schema (03/2026). Collection method: clinical testing. Allele origin: germline.
Comment: The c.1119_1121delGAA variant in RAPSN is an in-frame deletion predicted to remove lysine at amino acid 373 while preserving the reading frame. This variant is rare in the general population with a frequency below the threshold expected for the associated phenotype(s). This variant has been observed in one or more individuals affected with the associated recessive disease, as either homozygous or compound heterozygous with a second variant (PMID: 16945936, 19620612). Additionally, this variant has been observed to segregate in affected family members (PMID: 16945936). This variant results in a change to the protein length while preserving reading frame, which may disrupt normal protein structure or function. Computational prediction algorithms indicate this variant is likely to affect gene or protein function. Given the available evidence, this variant is classified as Pathogenic.

Broad Center for Mendelian Genomics, Broad Institute of MIT and Harvard
Classification: Likely pathogenic for Congenital myasthenic syndrome 11. Last evaluated: 2024-05-13. Review status: criteria provided, single submitter. Criteria: ACMG Guidelines, 2015. Collection method: curation. Allele origin: germline. Inheritance: Autosomal recessive inheritance.
Comment: The p.Lys373del variant in has been reported in 5 individuals with congenital myasthenic syndrome 11 (PMIDs: 16945936, 19620612, 33897756), and was absent from large population studies. Of the 5 affected individuals, 4 were compound heterozygotes that carried a reported pathogenic/likely pathogenic variant with unknown phase and one was homozygous, which increases the likelihood that the p.Lys373del variant is pathogenic (Variation ID: 8046; PMIDs: 16945936, 19620612, 33897756). This variant has been reported in ClinVar (Variation ID: 847394) and has been interpreted as pathogenic by multiple labs. In vitro functional studies provide some evidence that the p.Lys373del variant may impact protein function (PMID: 16945936). However, these types of assays may not accurately represent biological function. This variant is a deletion of 3 bases at position 1119 and is not predicted to alter the protein reading-frame. It is unclear if this deletion will impact the protein. In summary, although additional studies are required to fully establish its clinical significance, this variant is likely pathogenic for autosomal recessive congenital myasthenic syndrome 11. ACMG/AMP Criteria applied: PM3_strong, PM2_Supporting, PS3_Supporting, PM4_Supporting (Richards 2015).

Fulgent Genetics
Classification: Pathogenic for Congenital myasthenic syndrome 11; Fetal akinesia deformation sequence 2. Last evaluated: 2024-04-03. Review status: criteria provided, single submitter. Criteria: ACMG Guidelines, 2015. Collection method: clinical testing. Allele origin: germline.

Baylor Genetics
Classification: Pathogenic for Fetal akinesia deformation sequence 2. Last evaluated: 2024-03-14. Review status: criteria provided, single submitter. Criteria: ACMG Guidelines, 2015. Collection method: clinical testing. Allele origin: unknown.

PreventionGenetics, part of Exact Sciences
Classification: Pathogenic for RAPSN-related condition. Last evaluated: 2023-10-03. Review status: criteria provided, single submitter. Criteria: ACMG Guidelines, 2015. Collection method: clinical testing. Allele origin: germline.
Comment: The RAPSN c.1119_1121delGAA variant is predicted to result in an in-frame deletion (p.Lys373del). This variant has been reported along with a second RAPSN variant in several patients with congenital myasthenic syndrome, including three affected siblings in one family (Table 1, Cossins et al. 2006. PubMed ID: 16945936; Table 2, Milone et al. 2009. PubMed ID: 19620612; Table S2, Abicht et al. 2012. PubMed ID: 22678886; Internal Data, PreventionGenetics). It has also been reported in the homozygous or compound heterozygous state in two prenatal cases from families with recurrent non-immune fetal hydrops (Table 2, Zhou et al. 2021. PubMed ID: 33897756). In experimental studies, the p.Lys373del change was reported to affect RAPSN stability (Figure 3, Cossins et al. 2006. PubMed ID: 16945936). This variant is reported in 0.0011% of alleles in individuals of European (non-Finnish) descent in gnomAD. Taken together, this variant is interpreted as pathogenic.

GeneDx
Classification: Pathogenic. Last evaluated: 2022-06-23. Review status: criteria provided, single submitter. Criteria: GeneDx Variant Classification Process June 2021. Collection method: clinical testing. Allele origin: germline. Affected: yes.
Comment: Published functional studies demonstrate a damaging effect on RAPSN stability (Cossins et al., 2006); In-frame deletion of 1 amino acid in a non-repeat region predicted to critically alter the protein; Not observed at significant frequency in large population cohorts (gnomAD); In silico analysis supports a deleterious effect on protein structure/function; This variant is associated with the following publications: (PMID: 26198629, 23365176, 18567858, 31549961, 28111784, 17686188, 16945936, 33897756)

Literature cited by the submitters: PubMed 16945936 (cited by Labcorp Genetics (formerly Invitae), Labcorp and Natera, Inc.); PubMed 19620612 (cited by Labcorp Genetics (formerly Invitae), Labcorp and Natera, Inc.).

NM_005055.5(RAPSN):c.1116GAA[1] (p.Lys373del)

Gene: RAPSN (receptor associated protein of the synapse; minus strand). Cytogenetic location: 11p11.2.
Variant type: Microsatellite.
Coding change: c.1116GAA[1] on transcript NM_005055.5 (MANE Select); one copy of the 3-base unit GAA starting at c.1116; the reference has two copies in a row; one copy, 3 bases deleted; also written c.1119_1121del.
Protein change: p.Lys373del; deletes lysine 373.
Molecular consequence: inframe deletion.
Genome position (GRCh38, 1-based): chr11:47,438,777-47,438,779, TTC deleted on the plus strand (GAA on the coding strand, the reverse complement: RAPSN is on the minus strand); deleting any 3 consecutive bases within chr11:47,438,777-47,438,783 gives the same sequence; the position shown is the placement nearest the transcript's 3' end. VCF-style (leftmost placement, unchanged base first): chr11-47438776-GTTC-G. GRCh37 (hg19) VCF-style: chr11-47460327-GTTC-G.
Other names: NM_005055.5(RAPSN):c.1116GAA[1]; p.Lys373del; c.939GAA[1], p.Lys314del (NM_032645.5); c.1119_1121delGAA (NM_005055.4); c.1119_1121del (NM_005055.5); short protein forms K314del, K373del.
Identifiers: ClinVar variation 847394 (VCV000847394.17), dbSNP rs759488854, ClinGen allele CA5976496.